The following is an entry in ClinVar:

ClinVar aggregate classification (germline): Pathogenic (1 of 4 stars; one submission).

Submission:

Labcorp Genetics (formerly Invitae), Labcorp
Classification: Pathogenic. Last evaluated: 2021-11-27. Review status: criteria provided, single submitter. Criteria: Invitae Variant Classification Sherloc (09022015). Collection method: clinical testing. Allele origin: germline.
Comment: For these reasons, this variant has been classified as Pathogenic. This variant has not been reported in the literature in individuals affected with SCLT1-related conditions. This variant is not present in population databases (gnomAD no frequency). This sequence change creates a premature translational stop signal (p.Gln496*) in the SCLT1 gene. It is expected to result in an absent or disrupted protein product. Loss-of-function variants in SCLT1 are known to be pathogenic (PMID: 28005958).

Literature cited by the submitters: PubMed 28005958.

NM_144643.4(SCLT1):c.1486C>T (p.Gln496Ter)

Gene: SCLT1 (sodium channel and clathrin linker 1; minus strand). Cytogenetic location: 4q28.2.
Variant type: single nucleotide variant.
Coding change: c.1486C>T on transcript NM_144643.4 (MANE Select); coding-DNA position 1486, C replaced by T.
Protein change: p.Gln496Ter; replaces glutamine 496 with a stop codon.
Molecular consequence: nonsense.
Genome position (GRCh38, 1-based): chr4:128,943,142, G>A on the plus strand (C>T on the coding strand, the complement: SCLT1 is on the minus strand). VCF-style: chr4-128943142-G-A. GRCh37 (hg19) VCF-style: chr4-129864297-G-A.
Other names: short protein forms Q496*.
Identifiers: ClinVar variation 1454868 (VCV001454868.6), dbSNP rs2125989728, ClinGen allele CA358186267.